The following is an entry in ClinVar:

ClinVar aggregate classification (germline): Likely pathogenic (1 of 4 stars; one submission).

Submission:

Labcorp Genetics (formerly Invitae), Labcorp
Classification: Likely pathogenic. Last evaluated: 2023-07-07. Review status: criteria provided, single submitter. Criteria: Invitae Variant Classification Sherloc (09022015). Collection method: clinical testing. Allele origin: germline.
Comment: This sequence change replaces arginine, which is basic and polar, with tryptophan, which is neutral and slightly polar, at codon 1580 of the CHD8 protein (p.Arg1580Trp). This variant is not present in population databases (gnomAD no frequency). This missense change has been observed in individual(s) with CHD8-related conditions (PMID: 26733790, 27824329, 31980904, 31981491). In at least one individual the variant was observed to be de novo. Advanced modeling of protein sequence and biophysical properties (such as structural, functional, and spatial information, amino acid conservation, physicochemical variation, residue mobility, and thermodynamic stability) performed at Invitae indicates that this missense variant is expected to disrupt CHD8 protein function. In summary, the currently available evidence indicates that the variant is pathogenic, but additional data are needed to prove that conclusively. Therefore, this variant has been classified as Likely Pathogenic.

Literature cited by the submitters: PubMed 26733790; PubMed 27824329; PubMed 31980904; PubMed 31981491.

NM_001170629.2(CHD8):c.4738C>T (p.Arg1580Trp)

Gene: CHD8 (chromodomain helicase DNA binding protein 8; minus strand). Cytogenetic location: 14q11.2.
Variant type: single nucleotide variant.
Coding change: c.4738C>T on transcript NM_001170629.2 (MANE Select); coding-DNA position 4738, C replaced by T.
Protein change: p.Arg1580Trp; replaces arginine 1580 with tryptophan.
Molecular consequence: missense variant.
Genome position (GRCh38, 1-based): chr14:21,400,060, G>A on the plus strand (C>T on the coding strand, the complement: CHD8 is on the minus strand). VCF-style: chr14-21400060-G-A. GRCh37 (hg19) VCF-style: chr14-21868219-G-A.
Other names: c.3901C>T, p.Arg1301Trp (NM_020920.4); short protein forms R1301W, R1580W.
Identifiers: ClinVar variation 1929445 (VCV001929445.5), dbSNP rs2501886630, ClinGen allele CA388890349.
Genomic context (GRCh38, chr14:21,400,060, plus strand): 5'-ACACCTTTTCTGCTTGGTCTCCAATAACCTCCTGCCTCAGGTAGTATAGCATTCGTACCC[G>A]CAACAGTACCCTAGAAAGGACAGAGGAAGAGCTGGCTCAGTAACACTGTAGAAGTTTGAG-3'
Protein context (NP_001164100.1, residues 1570-1590): LKHQCNKVLL[Arg1580Trp]VRMLYYLRQE